The following is an entry in ClinVar:

ClinVar aggregate classification (germline): Uncertain significance. Review status: criteria provided, multiple submitters, no conflicts (2 of 4 stars). 2 submissions from 2 submitters: Uncertain significance (2). Last evaluated 2025-12-16.

Conditions:
Sneddon syndrome (SNDNS). Also called: LIVEDO RETICULARIS AND CEREBROVASCULAR ACCIDENTS; Idiopathic livedo reticularis with systemic involvement. Identifiers: Orphanet 820, MedGen C0282492, MONDO:0008436, OMIM 182410.
Deficiency of adenosine deaminase 2. Also called: Polyarteritis nodosa, childhoood-onset; VASCULITIS, AUTOINFLAMMATION, IMMUNODEFICIENCY, AND HEMATOLOGIC DEFECTS SYNDROME; Adenosine Deaminase 2 Deficiency. Identifiers: Orphanet 404553, MedGen C3887654, MONDO:0014306, OMIM 615688, MONDO:0100317.

Allele frequency attached by ClinVar (database versions not stated): gnomAD exomes 0.00001 and 0.00003; ExAC 0.00004; gnomAD 0.00011 and 0.00012; ESP Exome Variant Server 0.00015; TOPMed 0.00016.
gnomAD v4.1: 27 of 1,612,668 alleles (0.0017%); highest among the groups gnomAD compares: African/African-American, 0.032%; no homozygotes.

Submissions (2):

Labcorp Genetics (formerly Invitae), Labcorp
Classification: Uncertain significance for Deficiency of adenosine deaminase 2. Last evaluated: 2025-12-16. Review status: criteria provided, single submitter. Criteria: Invitae Variant Classification Sherloc (09022015). Collection method: clinical testing. Allele origin: germline.
Comment: This sequence change replaces aspartic acid, which is acidic and polar, with asparagine, which is neutral and polar, at codon 329 of the ADA2 protein (p.Asp329Asn). This variant is present in population databases (rs369716341, gnomAD 0.05%). This missense change has been observed in individual(s) with clinical features of deficiency of adenosine deaminase 2 (PMID: 34780847). ClinVar contains an entry for this variant (Variation ID: 946028). Invitae Evidence Modeling of protein sequence and biophysical properties (such as structural, functional, and spatial information, amino acid conservation, physicochemical variation, residue mobility, and thermodynamic stability) has been performed for this missense variant. However, the output from this modeling did not meet the statistical confidence thresholds required to predict the impact of this variant on ADA2 protein function. Experimental studies have shown that this missense change affects ADA2 function (PMID: 34780847). In summary, the available evidence is currently insufficient to determine the role of this variant in disease. Therefore, it has been classified as a Variant of Uncertain Significance.

Fulgent Genetics
Classification: Uncertain significance for Sneddon syndrome; Deficiency of adenosine deaminase 2. Last evaluated: 2022-04-28. Review status: criteria provided, single submitter. Criteria: ACMG Guidelines, 2015. Collection method: clinical testing. Allele origin: unknown.

Literature cited by the submitters: PubMed 34780847 (cited by Labcorp Genetics (formerly Invitae), Labcorp).

NM_001282225.2(ADA2):c.985G>A (p.Asp329Asn)

Gene: ADA2 (adenosine deaminase 2; minus strand). Cytogenetic location: 22q11.1.
Variant type: single nucleotide variant.
Coding change: c.985G>A on transcript NM_001282225.2 (MANE Select); coding-DNA position 985, G replaced by A.
Protein change: p.Asp329Asn; replaces aspartic acid 329 with asparagine.
Molecular consequence: missense variant.
Genome position (GRCh38, 1-based): chr22:17,188,435, C>T on the plus strand (G>A on the coding strand, the complement: ADA2 is on the minus strand). VCF-style: chr22-17188435-C-T. GRCh37 (hg19) VCF-style: chr22-17669325-C-T.
Other names: c.985G>A, p.Asp329Asn (NM_001282226.2); c.859G>A, p.Asp287Asn (NM_001282227.2, NM_001282228.2); c.625G>A, p.Asp209Asn (NM_001282229.2); c.262G>A, p.Asp88Asn (NM_177405.3); short protein forms D287N, D209N, D329N, D88N.
Identifiers: ClinVar variation 946028 (VCV000946028.9), dbSNP rs369716341, ClinGen allele CA10088006.